The following is an entry in ClinVar:

NM_001267550.2(TTN):c.96526T>A (p.Tyr32176Asn)

Genes: TTN (titin; minus strand), TTN-AS1 (TTN antisense RNA 1; plus strand), LOC126806421 (CDK7 strongly-dependent group 2 enhancer GRCh37_chr2:179407630-179408829; plus strand). Cytogenetic location: 2q31.2.
Variant type: single nucleotide variant.
Coding change: c.96526T>A on transcript NM_001267550.2 (MANE Select); coding-DNA position 96526, T replaced by A.
Protein change: p.Tyr32176Asn; replaces tyrosine 32176 with asparagine.
Molecular consequence: missense variant.
Genome position (GRCh38, 1-based): chr2:178,543,447, A>T on the plus strand (T>A on the coding strand, the complement: TTN is on the minus strand). VCF-style: chr2-178543447-A-T. GRCh37 (hg19) VCF-style: chr2-179408174-A-T.
Other names: c.96526T>A (LRG_391t1); c.91603T>A, p.Tyr30535Asn (NM_001256850.1); c.69331T>A, p.Tyr23111Asn (NM_003319.4); c.88822T>A, p.Tyr29608Asn (NM_133378.4); c.69706T>A, p.Tyr23236Asn (NM_133432.3); c.69907T>A, p.Tyr23303Asn (NM_133437.4); short protein forms Y32176N, Y23236N, Y23303N, Y29608N, Y30535N, Y23111N.
Identifiers: ClinVar variation 448835 (VCV000448835.5), dbSNP rs377291343, ClinGen allele CA1986739.
Genomic context (GRCh38, chr2:178,543,447, plus strand): 5'-CATCAGATGTTTCACAAGGTTCTCCAATGCCATAAATATTTTCTGGCAGCACTCTGAAAT[A>T]GTACATGGTTCCTTCTACAAGTCCAGAAATTCTGTAAAGTGTCTTGCTGCATTTGGTAGT-3'
Protein context (NP_001254479.2, residues 32166-32186): ISGLVEGTMY[Tyr32176Asn]FRVLPENIYG

ClinVar aggregate classification (germline): Uncertain significance. Review status: criteria provided, multiple submitters, no conflicts (2 of 4 stars). 3 submissions from 3 submitters: Uncertain significance (3). Last evaluated 2026-02-28.

Conditions:
TTN-related disorder. Also called: TTN-related condition; TTN-related disease; TTN-related disorders.

Allele frequency attached by ClinVar (database versions not stated): gnomAD exomes below 0.00001 and 0.00001; ExAC 0.00002; gnomAD 0.00006; TOPMed 0.00008; ESP Exome Variant Server 0.00025.
gnomAD v4.1: 13 of 1,613,710 alleles (0.00081%); highest among the groups gnomAD compares: African/African-American, 0.016%; no homozygotes.

Submissions (3):

PreventionGenetics, part of Exact Sciences
Classification: Uncertain significance for TTN-related condition. Last evaluated: 2026-02-28. Review status: criteria provided, single submitter. Criteria: ACMG Guidelines, 2015. Collection method: clinical testing. Allele origin: germline.
Comment: The TTN c.96526T>A variant is predicted to result in the amino acid substitution p.Tyr32176Asn. To our knowledge, this variant has not been reported in the literature. This variant is reported in 0.017% of alleles in individuals of African descent in gnomAD. At this time, the clinical significance of this variant is uncertain due to the absence of conclusive functional and genetic evidence.

Revvity Omics, Revvity
Classification: Uncertain significance. Last evaluated: 2019-07-08. Review status: criteria provided, single submitter. Criteria: ACMG Guidelines, 2015. Collection method: clinical testing. Allele origin: germline.

Athena Diagnostics
Classification: Uncertain significance. Last evaluated: 2016-10-28. Review status: criteria provided, single submitter. Criteria: Athena Diagnostics Criteria. Collection method: clinical testing. Allele origin: germline.